The following is an entry in ClinVar:

NM_006386.5(DDX17):c.1648C>T (p.Gln550Ter)

Gene: DDX17 (DEAD-box helicase 17; minus strand). Cytogenetic location: 22q13.1.
Variant type: single nucleotide variant.
Coding change: c.1648C>T on transcript NM_006386.5 (MANE Select); coding-DNA position 1648, C replaced by T.
Protein change: p.Gln550Ter; replaces glutamine 550 with a stop codon.
Molecular consequence: nonsense.
Genome position (GRCh38, 1-based): chr22:38,487,915, G>A on the plus strand (C>T on the coding strand, the complement: DDX17 is on the minus strand). VCF-style: chr22-38487915-G-A. GRCh37 (hg19) VCF-style: chr22-38883920-G-A.
Other names: c.1648C>T, p.Gln550Ter (NM_001098504.2); short protein forms Q550*.
Identifiers: ClinVar variation 4539865 (VCV004539865.2).
Genomic context (GRCh38, chr22:38,487,915, plus strand): 5'-GAAAACTCCAGGACTTACCCTTACCCCCGCCTCCGCCGCCTCCTCTGTGGTCCACAAGCT[G>A]CATCAGTTTTGGATTGATAGCCTGATTGGCCTCTTCCAGCACTTTGATAAGCTCTCTGGC-3'

ClinVar aggregate classification (germline): Uncertain significance (1 of 4 stars; one submission).

Submission:

GeneDx
Classification: Uncertain significance. Last evaluated: 2026-05-28. Review status: criteria provided, single submitter. Criteria: GeneDx Variant Classification Process June 2021. Collection method: clinical testing. Allele origin: germline.
Comment: Not observed at significant frequency in large population cohorts (gnomAD); Nonsense variant predicted to result in protein truncation as the last 182 amino acid(s) are lost; Has not been previously published as pathogenic or benign to our knowledge